The following is an entry in ClinVar:

NM_001374828.1(ARID1B):c.4366G>C (p.Ala1456Pro)

Gene: ARID1B (AT-rich interaction domain 1B; plus strand). Cytogenetic location: 6q25.3.
Variant type: single nucleotide variant.
Coding change: c.4366G>C on transcript NM_001374828.1 (MANE Select); coding-DNA position 4366, G replaced by C.
Protein change: p.Ala1456Pro; replaces alanine 1456 with proline.
Molecular consequence: missense variant.
Genome position (GRCh38, 1-based): chr6:157,196,299, G>C. VCF-style: chr6-157196299-G-C. GRCh37 (hg19) VCF-style: chr6-157517433-G-C.
Other names: c.1867G>C, p.Ala623Pro (NM_001363725.2); c.4246G>C, p.Ala1416Pro (NM_001371656.1, NM_001374820.1); c.4495G>C, p.Ala1499Pro (NM_001438482.1); c.4408G>C, p.Ala1470Pro (NM_001438483.1); c.4276G>C, p.Ala1426Pro (NM_001438485.1); c.4249G>C, p.Ala1417Pro (NM_001438486.1); c.4186G>C, p.Ala1396Pro (NM_001438487.1); c.1708G>C, p.Ala570Pro (NM_001438488.1); and 1 more; short protein forms A1396P, A1403P, A1416P, A1417P, A1426P, A1456P, A1470P, A1499P.
Identifiers: ClinVar variation 4801402 (VCV004801402.1).

ClinVar aggregate classification (germline): Uncertain significance (1 of 4 stars; one submission).

Submission:

Labcorp Genetics (formerly Invitae), Labcorp
Classification: Uncertain significance. Last evaluated: 2025-04-24. Review status: criteria provided, single submitter. Criteria: Invitae Variant Classification Sherloc (09022015). Collection method: clinical testing. Allele origin: germline.
Comment: This sequence change replaces alanine, which is neutral and non-polar, with proline, which is neutral and non-polar, at codon 1333 of the ARID1B protein (p.Ala1333Pro). This variant is not present in population databases (gnomAD no frequency). This variant has not been reported in the literature in individuals affected with ARID1B-related conditions. Invitae Evidence Modeling of protein sequence and biophysical properties (such as structural, functional, and spatial information, amino acid conservation, physicochemical variation, residue mobility, and thermodynamic stability) indicates that this missense variant is not expected to disrupt ARID1B protein function with a negative predictive value of 95%. In summary, the available evidence is currently insufficient to determine the role of this variant in disease. Therefore, it has been classified as a Variant of Uncertain Significance.